The following is an entry in ClinVar:

NM_001330700.2(TOP2B):c.396-14_396-13inv

Gene: TOP2B (DNA topoisomerase II beta; minus strand). Cytogenetic location: 3p24.2.
Variant type: Inversion.
Coding change: c.396-14_396-13inv on transcript NM_001330700.2 (MANE Select).
Molecular consequence: intron variant.
Genome position: GRCh38 VCF-style: chr3-25638323-AA-TT. GRCh37 (hg19) VCF-style: chr3-25679814-AA-TT.
Other names: c.381-14_381-13inv (NM_001068.3).
Identifiers: ClinVar variation 3701001 (VCV003701001.2).

ClinVar aggregate classification (germline): Uncertain significance (1 of 4 stars; one submission).

Submission:

Labcorp Genetics (formerly Invitae), Labcorp
Classification: Uncertain significance. Last evaluated: 2024-02-14. Review status: criteria provided, single submitter. Criteria: Invitae Variant Classification Sherloc (09022015). Collection method: clinical testing. Allele origin: germline.
Comment: This sequence change falls in intron 4 of the TOP2B gene. It does not directly change the encoded amino acid sequence of the TOP2B protein. Information on the frequency of this variant in the gnomAD database is not available, as this variant may be reported differently in the database. This variant has not been reported in the literature in individuals affected with TOP2B-related conditions. Experimental studies and prediction algorithms are not available or were not evaluated, and the effect of this variant on mRNA splicing is currently unknown. In summary, the available evidence is currently insufficient to determine the role of this variant in disease. Therefore, it has been classified as a Variant of Uncertain Significance.